The following is an entry in ClinVar:

NM_001197104.2(KMT2A):c.9155A>G (p.Asn3052Ser)

Gene: KMT2A (lysine methyltransferase 2A; plus strand). Cytogenetic location: 11q23.3.
Variant type: single nucleotide variant.
Coding change: c.9155A>G on transcript NM_001197104.2 (MANE Select); coding-DNA position 9155, A replaced by G.
Protein change: p.Asn3052Ser; replaces asparagine 3052 with serine.
Molecular consequence: missense variant.
Genome position (GRCh38, 1-based): chr11:118,505,047, A>G. VCF-style: chr11-118505047-A-G. GRCh37 (hg19) VCF-style: chr11-118375762-A-G.
Other names: c.9245A>G, p.Asn3082Ser (NM_001412597.1); c.9146A>G, p.Asn3049Ser (NM_005933.4); short protein forms N3049S, N3052S, N3082S.
Identifiers: ClinVar variation 2417871 (VCV002417871.6), dbSNP rs1414922786, ClinGen allele CA382818752.

ClinVar aggregate classification (germline): Uncertain significance (1 of 4 stars; one submission).

Allele frequency attached by ClinVar (database versions not stated): TOPMed 0.00001; gnomAD exomes below 0.00001.
gnomAD v4.1: 1 of 1,614,102 alleles (0.000062%); highest among the groups gnomAD compares: Non-Finnish European, 0.000085%; no homozygotes.

Submission:

Labcorp Genetics (formerly Invitae), Labcorp
Classification: Uncertain significance. Last evaluated: 2023-02-27. Review status: criteria provided, single submitter. Criteria: Invitae Variant Classification Sherloc (09022015). Collection method: clinical testing. Allele origin: germline.
Comment: In summary, the available evidence is currently insufficient to determine the role of this variant in disease. Therefore, it has been classified as a Variant of Uncertain Significance. Advanced modeling of protein sequence and biophysical properties (such as structural, functional, and spatial information, amino acid conservation, physicochemical variation, residue mobility, and thermodynamic stability) performed at Invitae indicates that this missense variant is not expected to disrupt KMT2A protein function. ClinVar contains an entry for this variant (Variation ID: 2417871). This variant has not been reported in the literature in individuals affected with KMT2A-related conditions. This variant is not present in population databases (gnomAD no frequency). This sequence change replaces asparagine, which is neutral and polar, with serine, which is neutral and polar, at codon 3052 of the KMT2A protein (p.Asn3052Ser).